The following is an entry in ClinVar:

NM_006904.7(PRKDC):c.4108A>G (p.Arg1370Gly)

Gene: PRKDC (protein kinase, DNA-activated, catalytic subunit; minus strand). Cytogenetic location: 8q11.21.
Variant type: single nucleotide variant.
Coding change: c.4108A>G on transcript NM_006904.7 (MANE Select); coding-DNA position 4108, A replaced by G.
Protein change: p.Arg1370Gly; replaces arginine 1370 with glycine.
Molecular consequence: missense variant.
Genome position (GRCh38, 1-based): chr8:47,889,186, T>C on the plus strand (A>G on the coding strand, the complement: PRKDC is on the minus strand). VCF-style: chr8-47889186-T-C. GRCh37 (hg19) VCF-style: chr8-48801747-T-C.
Other names: c.4108A>G, p.Arg1370Gly (NM_001081640.2); short protein forms R1370G.
Identifiers: ClinVar variation 646468 (VCV000646468.7), dbSNP rs183449582, ClinGen allele CA4741003.

ClinVar aggregate classification (germline): Uncertain significance (1 of 4 stars; one submission).

Conditions:
Severe combined immunodeficiency due to DNA-PKcs deficiency. Also called: Immunodeficiency 26 with or without neurologic abnormalities; IMMUNODEFICIENCY 26 WITH NEUROLOGIC ABNORMALITIES. Identifiers: Orphanet 317425, MedGen C4014833, MONDO:0014423, OMIM 615966.

gnomAD v4.1: 12 of 1,613,674 alleles (0.00074%); highest among the groups gnomAD compares: South Asian, 0.013%; no homozygotes.

Submission:

Labcorp Genetics (formerly Invitae), Labcorp
Classification: Uncertain significance for Severe combined immunodeficiency due to DNA-PKcs deficiency. Last evaluated: 2025-10-22. Review status: criteria provided, single submitter. Criteria: Invitae Variant Classification Sherloc (09022015). Collection method: clinical testing. Allele origin: germline.
Comment: This sequence change replaces arginine, which is basic and polar, with glycine, which is neutral and non-polar, at codon 1370 of the PRKDC protein (p.Arg1370Gly). This variant is present in population databases (rs183449582, gnomAD 0.03%). This variant has not been reported in the literature in individuals affected with PRKDC-related conditions. ClinVar contains an entry for this variant (Variation ID: 646468). Invitae Evidence Modeling of protein sequence and biophysical properties (such as structural, functional, and spatial information, amino acid conservation, physicochemical variation, residue mobility, and thermodynamic stability) indicates that this missense variant is not expected to disrupt PRKDC protein function with a negative predictive value of 80%. In summary, the available evidence is currently insufficient to determine the role of this variant in disease. Therefore, it has been classified as a Variant of Uncertain Significance.